The following is an entry in ClinVar:

ClinVar aggregate classification (germline): Pathogenic (1 of 4 stars; one submission).

Conditions:
Gorlin syndrome. Also called: Nevoid Basal Cell Carcinoma Syndrome; Basal cell nevus syndrome. Identifiers: Orphanet 377, MedGen C0004779, MONDO:0007187.

Submission:

Labcorp Genetics (formerly Invitae), Labcorp
Classification: Pathogenic for Gorlin syndrome. Last evaluated: 2024-06-24. Review status: criteria provided, single submitter. Criteria: Invitae Variant Classification Sherloc (09022015). Collection method: clinical testing. Allele origin: germline.
Comment: This sequence change affects a donor splice site in intron 12 of the PTCH1 gene. It is expected to disrupt RNA splicing. Variants that disrupt the donor or acceptor splice site typically lead to a loss of protein function (PMID: 16199547), and loss-of-function variants in PTCH1 are known to be pathogenic (PMID: 16301862, 16419085). This variant is not present in population databases (gnomAD no frequency). Disruption of this splice site has been observed in individual(s) with basal cell nevus syndrome (Invitae). Algorithms developed to predict the effect of sequence changes on RNA splicing suggest that this variant may disrupt the consensus splice site. For these reasons, this variant has been classified as Pathogenic.

Literature cited by the submitters: PubMed 16199547; PubMed 16301862; PubMed 16419085.

NM_000264.5(PTCH1):c.1728+2T>A

Gene: PTCH1 (patched 1; minus strand). Cytogenetic location: 9q22.32.
Variant type: single nucleotide variant.
Coding change: c.1728+2T>A on transcript NM_000264.5 (MANE Select); the canonical splice donor site of the intron after coding-DNA position 1728, T replaced by A.
Molecular consequence: splice donor variant.
Genome position (GRCh38, 1-based): chr9:95,476,032, A>T on the plus strand (T>A on the coding strand, the complement: PTCH1 is on the minus strand). VCF-style: chr9-95476032-A-T. GRCh37 (hg19) VCF-style: chr9-98238314-A-T.
Other names: c.1725+2T>A (NM_001083603.3); c.1530+2T>A (NM_001083602.3); c.1572+2T>A (NM_001354918.2); c.1275+2T>A (NM_001083605.3, NM_001083604.3, NM_001083606.3 and 1 more transcripts).
Identifiers: ClinVar variation 3657598 (VCV003657598.2).